The following is an entry in ClinVar:

NM_000038.6(APC):c.5268T>G (p.Ser1756=)

Gene: APC (APC regulator of Wnt signaling pathway; plus strand). Cytogenetic location: 5q22.2.
Variant type: single nucleotide variant.
Coding change: c.5268T>G on transcript NM_000038.6 (MANE Select); coding-DNA position 5268, T replaced by G.
Protein change: p.Ser1756=; no amino-acid change (serine 1756 retained).
Molecular consequence: synonymous variant.
Genome position (GRCh38, 1-based): chr5:112,840,862, T>G. VCF-style: chr5-112840862-T-G. GRCh37 (hg19) VCF-style: chr5-112176559-T-G.
Other names: c.5268T>G, p.Ser1756= (NM_001127510.3, NM_001354895.2); c.5214T>G, p.Ser1738= (NM_001127511.3); c.5322T>G, p.Ser1774= (NM_001354896.2); c.5298T>G, p.Ser1766= (NM_001354897.2); c.5193T>G, p.Ser1731= (NM_001354898.2); c.5184T>G, p.Ser1728= (NM_001354899.2); c.5145T>G, p.Ser1715= (NM_001354900.2); c.5091T>G, p.Ser1697= (NM_001354901.2); and 5 more.
Identifiers: ClinVar variation 42245 (VCV000042245.56), dbSNP rs866006, ClinGen allele CA010004.

ClinVar aggregate classification (germline): Benign. Review status: criteria provided, multiple submitters, no conflicts (2 of 4 stars). 20 submissions from 20 submitters: Benign (11). 9 of the submissions do not count toward it. Last evaluated 2026-02-04.

Conditions:
APC-Associated Polyposis Disorders.
Hereditary cancer-predisposing syndrome. Also called: Tumor predisposition; Neoplastic Syndromes, Hereditary; Hereditary neoplastic syndrome; Hereditary Cancer Syndrome. Identifiers: Orphanet 140162, MedGen C0027672, MeSH D009386, MONDO:0015356.
Familial adenomatous polyposis 1 (FAP1). Also called: FAMILIAL ADENOMATOUS POLYPOSIS 1, ATTENUATED; POLYPOSIS, ADENOMATOUS INTESTINAL. Identifiers: MedGen C2713442, MONDO:0021056, OMIM 175100. Disease mechanism: loss of function.
Familial colorectal cancer. Identifiers: MedGen CN280943, MONDO:0023113. Disease mechanism: loss of function.
Carcinoma of colon (CRC). Also called: Colonic carcinoma; Colon carcinoma. Identifiers: MedGen C0699790, MONDO:0002032.

Allele frequency attached by ClinVar (database versions not stated): ESP Exome Variant Server 0.58799; gnomAD 0.59230; TOPMed 0.61124; 1000 Genomes Project 30x 0.66162; 1000 Genomes Project 0.66693.
gnomAD v4.1: 1,011,229 of 1,613,728 alleles (63%); highest among the groups gnomAD compares: East Asian, 84%; 319,793 homozygotes.

Submissions (20):

Labcorp Genetics (formerly Invitae), Labcorp
Classification: Benign for Familial adenomatous polyposis 1. Last evaluated: 2026-02-04. Review status: criteria provided, single submitter. Criteria: Invitae Variant Classification Sherloc (09022015). Collection method: clinical testing. Allele origin: germline.

ARUP Laboratories, Molecular Genetics and Genomics, ARUP Laboratories
Classification: Benign. Last evaluated: 2025-07-30. Review status: criteria provided, single submitter. Criteria: ARUP Molecular Germline Variant Investigation Process 2024. Collection method: clinical testing. Allele origin: germline.

GeneKor MSA
Classification: Benign for Hereditary cancer-predisposing syndrome. Last evaluated: 2025-07-10. Review status: criteria provided, single submitter. Criteria: ACMG Guidelines, 2015. Collection method: clinical testing. Allele origin: germline.

Blueprint Genetics
Classification: Benign. Last evaluated: 2024-11-26. Review status: criteria provided, single submitter. Criteria: ACMG Guidelines, 2015. Collection method: clinical testing. Allele origin: germline.

KCCC/NGS Laboratory, Kuwait Cancer Control Center
Classification: Benign for Familial adenomatous polyposis 1. Last evaluated: 2023-07-07. Review status: criteria provided, single submitter. Criteria: ACMG Guidelines, 2015. Collection method: clinical testing. Allele origin: germline. Affected: yes.

Illumina Laboratory Services, Illumina
Classification: Benign for APC-Associated Polyposis Disorders. Last evaluated: 2018-01-12. Review status: criteria provided, single submitter. Criteria: ICSL Variant Classification Criteria 13 December 2019. Collection method: clinical testing. Allele origin: germline.
Comment: This variant was observed in the ICSL laboratory as part of a predisposition screen in an ostensibly healthy population. It had not been previously curated by ICSL or reported in the Human Gene Mutation Database (HGMD: prior to June 1st, 2018), and was therefore a candidate for classification through an automated scoring system. Utilizing variant allele frequency, disease prevalence and penetrance estimates, and inheritance mode, an automated score was calculated to assess if this variant is too frequent to cause the disease. Based on the score and internal cut-off values, a variant classified as benign is not then subjected to further curation. The score for this variant resulted in a classification of benign for this disease.

Color Diagnostics, LLC DBA Color Health
Classification: Benign for Hereditary cancer-predisposing syndrome. Last evaluated: 2016-03-28. Review status: criteria provided, single submitter. Criteria: ACMG Guidelines, 2015. Collection method: clinical testing. Allele origin: germline.

Eurofins Ntd Llc (ga)
Classification: Benign. Last evaluated: 2016-03-16. Review status: criteria provided, single submitter. Criteria: EGL Classification Definitions 2015. Collection method: clinical testing. Allele origin: germline. Observed: 65 variant alleles, 40 heterozygotes, 25 homozygotes.

GeneDx
Classification: Benign. Last evaluated: 2015-03-03. Review status: criteria provided, single submitter. Criteria: GeneDx Variant Classification Process June 2021. Collection method: clinical testing. Allele origin: germline. Affected: yes.

Ambry Genetics
Classification: Benign for Hereditary cancer-predisposing syndrome. Last evaluated: 2014-10-24. Review status: criteria provided, single submitter. Criteria: Ambry Variant Classification Scheme 2023. Collection method: clinical testing. Allele origin: germline.

PreventionGenetics, part of Exact Sciences
Classification: Benign. Review status: criteria provided, single submitter. Criteria: ACMG Guidelines, 2015. Collection method: clinical testing. Allele origin: germline.

Institute for Biomarker Research, Medical Diagnostic Laboratories, L.L.C.
Classification: Benign for Hereditary cancer-predisposing syndrome. Last evaluated: 2021-12-21. Review status: no assertion criteria provided. Collection method: clinical testing. Allele origin: germline. Not counted in ClinVar's aggregate classification.

Laboratory for Molecular Medicine, Mass General Brigham Personalized Medicine
Classification: Benign. Last evaluated: 2008-03-01. Review status: no assertion criteria provided. Collection method: clinical testing. Allele origin: germline. Observed: 28 variant alleles. Not counted in ClinVar's aggregate classification.

Clinical Genetics DNA and cytogenetics Diagnostics Lab, Erasmus MC, Erasmus Medical Center
Classification: Benign. Review status: no assertion criteria provided. Collection method: clinical testing. Allele origin: germline. Affected: yes. Study: VKGL Data-share Consensus. Not counted in ClinVar's aggregate classification.

Clinical Genetics, Academic Medical Center
Classification: Benign. Review status: no assertion criteria provided. Collection method: clinical testing. Allele origin: germline. Affected: yes. Study: VKGL Data-share Consensus. Not counted in ClinVar's aggregate classification.

Department of Pathology and Laboratory Medicine, Sinai Health System
Classification: Benign for Carcinoma of colon. Review status: no assertion criteria provided. Collection method: clinical testing. Allele origin: unknown. Affected: yes. Study: The Canadian Open Genetics Repository (COGR). Not counted in ClinVar's aggregate classification.
Comment: The c.5268T>G, p.Ser1756Ser silent variant, located in exon 16 of APC, is not expected to have clinical significance because it does not alter an amino acid residue, is not located near a splice junction, is listed in dbSNP (rs_id: rs866006) with a heterozygosity freqency of 0.478+/-0.104. Based on the above information, this is a benign variant.

Diagnostic Laboratory, Department of Genetics, University Medical Center Groningen
Classification: Benign. Review status: no assertion criteria provided. Collection method: clinical testing. Allele origin: germline. Affected: yes. Study: VKGL Data-share Consensus. Not counted in ClinVar's aggregate classification.

Joint Genome Diagnostic Labs from Nijmegen and Maastricht, Radboudumc and MUMC+
Classification: Benign. Review status: no assertion criteria provided. Collection method: clinical testing. Allele origin: germline. Affected: yes. Study: VKGL Data-share Consensus. Not counted in ClinVar's aggregate classification.

Mayo Clinic Laboratories, Mayo Clinic
Classification: Benign. Review status: no assertion criteria provided. Collection method: clinical testing. Allele origin: unknown. Not counted in ClinVar's aggregate classification.

Systems Biology Platform Zhejiang California International NanoSystems Institute
Classification: other for Familial colorectal cancer. Review status: no assertion criteria provided. Collection method: not provided. Allele origin: unknown. Not counted in ClinVar's aggregate classification.
ClinVar note: Converted during submission from cancer to other.

Literature cited by the submitters: PubMed 14616385 (cited by Laboratory for Molecular Medicine, Mass General Brigham Personalized Medicine).